The following is an entry in ClinVar:

NM_002609.4(PDGFRB):c.70C>T (p.Leu24Phe)

Gene: PDGFRB (platelet derived growth factor receptor beta; minus strand). Cytogenetic location: 5q32.
Variant type: single nucleotide variant.
Coding change: c.70C>T on transcript NM_002609.4 (MANE Select); coding-DNA position 70, C replaced by T.
Protein change: p.Leu24Phe; replaces leucine 24 with phenylalanine.
Molecular consequence: missense variant. On other transcripts: 5 prime UTR variant (2).
Genome position (GRCh38, 1-based): chr5:150,135,849, G>A on the plus strand (C>T on the coding strand, the complement: PDGFRB is on the minus strand). VCF-style: chr5-150135849-G-A. GRCh37 (hg19) VCF-style: chr5-149515412-G-A.
Other names: c.-123C>T (NM_001355016.2); c.-448C>T (NM_001355017.2); short protein forms L24F.
Identifiers: ClinVar variation 2595325 (VCV002595325.3), dbSNP rs762297182, ClinGen allele CA3508417.

ClinVar aggregate classification (germline): Uncertain significance. Review status: criteria provided, multiple submitters, no conflicts (2 of 4 stars). 2 submissions from 2 submitters: Uncertain significance (2). Last evaluated 2023-08-21.

Conditions:
Inborn genetic diseases. Identifiers: MedGen C0950123, MeSH D030342.

Allele frequency attached by ClinVar (database versions not stated): TOPMed below 0.00001; gnomAD 0.00001; ExAC 0.00002; gnomAD exomes 0.00004.
gnomAD v4.1: 25 of 1,534,882 alleles (0.0016%); highest among the groups gnomAD compares: Non-Finnish European, 0.0021%; no homozygotes.

Submissions (2):

Ambry Genetics
Classification: Uncertain significance for Inborn genetic diseases. Last evaluated: 2023-08-21. Review status: criteria provided, single submitter. Criteria: Ambry Variant Classification Scheme 2023. Collection method: clinical testing. Allele origin: germline.

GeneDx
Classification: Uncertain significance. Last evaluated: 2023-05-30. Review status: criteria provided, single submitter. Criteria: GeneDx Variant Classification Process June 2021. Collection method: clinical testing. Allele origin: germline. Affected: yes.
Comment: In silico analysis supports that this missense variant does not alter protein structure/function; Has not been previously published as pathogenic or benign to our knowledge; In silico analysis suggests this variant may impact gene splicing. In the absence of RNA/functional studies, the actual effect of this sequence change is unknown.